The following is an entry in ClinVar:

ClinVar aggregate classification (germline): Uncertain significance (1 of 4 stars; one submission).

Conditions:
Hereditary cancer-predisposing syndrome. Also called: Neoplastic Syndromes, Hereditary; Tumor predisposition; Hereditary Cancer Syndrome; Hereditary neoplastic syndrome. Identifiers: Orphanet 140162, MedGen C0027672, MeSH D009386, MONDO:0015356.

gnomAD v4.1: 1 of 1,567,522 alleles (0.000064%); highest among the groups gnomAD compares: Non-Finnish European, 0.000086%; no homozygotes.

Submission:

Ambry Genetics
Classification: Uncertain significance for Hereditary cancer-predisposing syndrome. Last evaluated: 2025-12-17. Review status: criteria provided, single submitter. Criteria: Ambry Variant Classification Scheme 2023. Collection method: clinical testing. Allele origin: germline.
Comment: The p.P7L variant (also known as c.20C>T), located in coding exon 1 of the BARD1 gene, results from a C to T substitution at nucleotide position 20. The proline at codon 7 is replaced by leucine, an amino acid with similar properties. This amino acid position is not conserved on limited sequence alignment. In addition, this alteration is predicted to be tolerated by in silico analysis. Based on the available evidence, the clinical significance of this variant remains unclear.

NM_000465.4(BARD1):c.20C>T (p.Pro7Leu)

Gene: BARD1 (BRCA1 associated RING domain 1; minus strand). Cytogenetic location: 2q35.
Variant type: single nucleotide variant.
Coding change: c.20C>T on transcript NM_000465.4 (MANE Select); coding-DNA position 20, C replaced by T.
Protein change: p.Pro7Leu; replaces proline 7 with leucine.
Molecular consequence: missense variant. On other transcripts: non-coding transcript variant (3).
Genome position (GRCh38, 1-based): chr2:214,809,550, G>A on the plus strand (C>T on the coding strand, the complement: BARD1 is on the minus strand). VCF-style: chr2-214809550-G-A. GRCh37 (hg19) VCF-style: chr2-215674274-G-A.
Other names: c.20C>T, p.Pro7Leu (NM_001282543.2, NM_001282545.2, NM_001282548.2 and 1 more transcripts); short protein forms P7L.
Identifiers: ClinVar variation 4842579 (VCV004842579.1).